The following is an entry in ClinVar:

ClinVar aggregate classification (germline): Pathogenic (3 of 4 stars; one submission).

Conditions:
Breast-ovarian cancer, familial, susceptibility to, 2 (BROVCA2). Also called: BRCA2 Hereditary Breast and Ovarian Cancer. Identifiers: Orphanet 145, MedGen C2675520, MONDO:0012933, OMIM 612555. Disease mechanism: loss of function.

Submission:

Evidence-based Network for the Interpretation of Germline Mutant Alleles (ENIGMA)
Classification: Pathogenic for Breast-ovarian cancer, familial, susceptibility to, 2. Last evaluated: 2016-10-18. Review status: reviewed by expert panel. Criteria: ENIGMA BRCA1/2 Classification Criteria (2015). Collection method: curation. Allele origin: germline.
Comment: Variant allele predicted to encode a truncated non-functional protein.

NM_000059.4(BRCA2):c.6258_6261del (p.Arg2087fs)

Gene: BRCA2 (BRCA2 DNA repair associated; plus strand). Cytogenetic location: 13q13.1.
Variant type: Deletion.
Coding change: c.6258_6261del on transcript NM_000059.4 (MANE Select); coding-DNA positions 6258 to 6261, 4 bases deleted (CAGA; older notation c.6258_6261delCAGA).
Protein change: p.Arg2087fs; shifts the reading frame from arginine 2087.
Molecular consequence: frameshift variant.
Genome position (GRCh38, 1-based): chr13:32,340,613-32,340,616, CAGA deleted. VCF-style (leftmost placement, unchanged base first): chr13-32340612-TCAGA-T. GRCh37 (hg19) VCF-style: chr13-32914749-TCAGA-T.
Other names: 6486delCAGA; short protein forms R2087fs.
Identifiers: ClinVar variation 266933 (VCV000266933.3), dbSNP rs886040644, ClinGen allele CA10589363.